The following is an entry in ClinVar:

NM_001963.6(EGF):c.3523C>A (p.Leu1175Ile)

Gene: EGF (epidermal growth factor; plus strand). Cytogenetic location: 4q25.
Variant type: single nucleotide variant.
Coding change: c.3523C>A on transcript NM_001963.6 (MANE Select); coding-DNA position 3523, C replaced by A.
Protein change: p.Leu1175Ile; replaces leucine 1175 with isoleucine.
Molecular consequence: missense variant. On other transcripts: 3 prime UTR variant (1).
Genome position (GRCh38, 1-based): chr4:110,011,354, C>A. VCF-style: chr4-110011354-C-A. GRCh37 (hg19) VCF-style: chr4-110932510-C-A.
Other names: c.3400C>A, p.Leu1134Ile (NM_001178130.3); c.3397C>A, p.Leu1133Ile (NM_001178131.3); c.*42C>A (NM_001357021.2); c.3523C>A (NM_001963.4); short protein forms L1133I, L1175I, L1134I.
Identifiers: ClinVar variation 3641878 (VCV003641878.3).

ClinVar aggregate classification (germline): Conflicting classifications of pathogenicity. Review status: criteria provided, conflicting classifications (1 of 4 stars). 2 submissions from 2 submitters: Uncertain significance (1); Likely benign (1). Last evaluated 2025-02-17.

gnomAD v4.1: 30 of 1,614,012 alleles (0.0019%); highest among the groups gnomAD compares: Admixed American, 0.04%; no homozygotes.

Submissions (2):

Labcorp Genetics (formerly Invitae), Labcorp
Classification: Uncertain significance. Last evaluated: 2025-02-17. Review status: criteria provided, single submitter. Criteria: Invitae Variant Classification Sherloc (09022015). Collection method: clinical testing. Allele origin: germline.
Comment: This sequence change replaces leucine, which is neutral and non-polar, with isoleucine, which is neutral and non-polar, at codon 1175 of the EGF protein (p.Leu1175Ile). This variant is present in population databases (rs778566062, gnomAD 0.02%). This variant has not been reported in the literature in individuals affected with EGF-related conditions. An algorithm developed to predict the effect of missense changes on protein structure and function outputs the following: PolyPhen-2: "Benign". The isoleucine amino acid residue is found in multiple mammalian species, which suggests that this missense change does not adversely affect protein function. In summary, the available evidence is currently insufficient to determine the role of this variant in disease. Therefore, it has been classified as a Variant of Uncertain Significance.

Ambry Genetics
Classification: Likely benign. Last evaluated: 2025-01-04. Review status: criteria provided, single submitter. Criteria: Ambry Variant Classification Scheme 2023. Collection method: clinical testing. Allele origin: germline.